The following is an entry in ClinVar:

ClinVar aggregate classification (germline): Pathogenic/Likely pathogenic. Review status: criteria provided, multiple submitters, no conflicts (2 of 4 stars). 2 submissions from 2 submitters: Pathogenic (1); Likely pathogenic (1). Last evaluated 2022-01-03.

Conditions:
Retinitis pigmentosa 26 (RP26). Identifiers: Orphanet 791, MedGen C1842127, MONDO:0012024, OMIM 608380.

Submissions (2):

3billion
Classification: Likely pathogenic for Retinitis pigmentosa 26. Last evaluated: 2022-01-03. Review status: criteria provided, single submitter. Criteria: ACMG Guidelines, 2015. Collection method: clinical testing. Allele origin: germline. Affected: yes. Observed: 1 homozygote.
Comment: Frameshift: predicted to result in a loss or disruption of normal protein function through nonsense-mediated decay (NMD) or protein truncation. Multiple pathogenic variants are reported downstream of the variant (PVS1_VS). It is not observed in the gnomAD v2.1.1 dataset (PM2_M). Therefore, this variant is classified as likely pathogenic according to the recommendation of ACMG/AMP guideline.

Kariminejad - Najmabadi Pathology & Genetics Center
Classification: Pathogenic for Retinitis pigmentosa 26. Review status: criteria provided, single submitter. Criteria: ACMG Guidelines, 2015. Collection method: clinical testing. Allele origin: germline. Affected: no.

NM_201548.5(CERKL):c.52_55del (p.Glu18fs)

Gene: CERKL (CERK like autophagy regulator; minus strand). Cytogenetic location: 2q31.3.
Variant type: Deletion.
Coding change: c.52_55del on transcript NM_201548.5 (MANE Select); coding-DNA positions 52 to 55, 4 bases deleted (GAGG; older notation c.52_55delGAGG).
Protein change: p.Glu18fs; shifts the reading frame from glutamic acid 18.
Molecular consequence: frameshift variant. On other transcripts: non-coding transcript variant (2).
Genome position (GRCh38, 1-based): chr2:181,656,952-181,656,955, CCTC deleted on the plus strand (GAGG on the coding strand, the reverse complement: CERKL is on the minus strand); deleting any 4 consecutive bases within chr2:181,656,952-181,656,957 gives the same sequence; the c. name uses the placement nearest the transcript's 3' end. VCF-style (leftmost placement, unchanged base first): chr2-181656951-TCCTC-T. GRCh37 (hg19) VCF-style: chr2-182521678-TCCTC-T.
Other names: c.52_55del, p.Glu18fs (NM_001030311.3, NM_001030312.3, NM_001030313.3 and 1 more transcripts); short protein forms E18fs.
Identifiers: ClinVar variation 1333416 (VCV001333416.2), dbSNP rs2105569036, ClinGen allele CA2573051811.
Genomic context (GRCh38, chr2:181,656,951, plus strand): 5'-GTCTGCTGCGGGGACGTTAACAGCGCCGGAGGCACAGCGGCAGCCTCCGGGGGCGCCTCT[TCCTC>T]CCGGCCGCCCTCCAGGGCACTCACCCGGTTCCTGCGCCTCCTCCAGGGCATGGCGGAGTC-3'